The following is an entry in ClinVar:

NM_001039141.3(TRIOBP):c.710G>A (p.Arg237Gln)

Gene: TRIOBP (TRIO and F-actin binding protein; plus strand). Cytogenetic location: 22q13.1.
Variant type: single nucleotide variant.
Coding change: c.710G>A on transcript NM_001039141.3 (MANE Select); coding-DNA position 710, G replaced by A.
Protein change: p.Arg237Gln; replaces arginine 237 with glutamine.
Molecular consequence: missense variant.
Genome position (GRCh38, 1-based): chr22:37,723,266, G>A. VCF-style: chr22-37723266-G-A. GRCh37 (hg19) VCF-style: chr22-38119273-G-A.
Other names: c.710G>A (NM_001039141.2); short protein forms R237Q.
Identifiers: ClinVar variation 2742133 (VCV002742133.4), dbSNP rs372079149, ClinGen allele CA10223438.
Genomic context (GRCh38, chr22:37,723,266, plus strand): 5'-GCGCAGGACAGCACTGGGCAAGGCTCCGGGGAGAAAGCGGGTTGTCCCTGGAGCGGCACC[G>A]GTCAACACTGACCCAGGCTTCCTCCATGACACCACACAGTGGACCTCGAAGCACCACGTC-3'
Protein context (NP_001034230.1, residues 227-247): GESGLSLERH[Arg237Gln]STLTQASSMT

ClinVar aggregate classification (germline): Likely benign. Review status: criteria provided, multiple submitters, no conflicts (2 of 4 stars). 2 submissions from 2 submitters: Likely benign (2). Last evaluated 2025-09-09.

Conditions:
TRIOBP-related disorder. Also called: TRIOBP-related condition.

Allele frequency attached by ClinVar (database versions not stated): ESP Exome Variant Server 0.00008; gnomAD exomes 0.00017; 1000 Genomes Project 0.00020; 1000 Genomes Project 30x 0.00031; ExAC 0.00039.
gnomAD v4.1: 284 of 1,614,024 alleles (0.018%); highest among the groups gnomAD compares: South Asian, 0.2%; 1 homozygote.

Submissions (2):

PreventionGenetics, part of Exact Sciences
Classification: Likely benign for TRIOBP-related condition. Last evaluated: 2025-09-09. Review status: criteria provided, single submitter. Criteria: ACMG Guidelines, 2015. Collection method: clinical testing. Allele origin: germline.
Comment: This variant is classified as likely benign based on ACMG/AMP sequence variant interpretation guidelines (Richards et al. 2015 PMID: 25741868, with internal and published modifications).

Labcorp Genetics (formerly Invitae), Labcorp
Classification: Likely benign. Last evaluated: 2025-06-06. Review status: criteria provided, single submitter. Criteria: Invitae Variant Classification Sherloc (09022015). Collection method: clinical testing. Allele origin: germline.